The following is an entry in ClinVar:

NM_001005242.3(PKP2):c.599T>C (p.Val200Ala)

Gene: PKP2 (plakophilin 2; minus strand). Cytogenetic location: 12p11.21.
Variant type: single nucleotide variant.
Coding change: c.599T>C on transcript NM_001005242.3 (MANE Select); coding-DNA position 599, T replaced by C.
Protein change: p.Val200Ala; replaces valine 200 with alanine.
Molecular consequence: missense variant.
Genome position (GRCh38, 1-based): chr12:32,878,281, A>G on the plus strand (T>C on the coding strand, the complement: PKP2 is on the minus strand). VCF-style: chr12-32878281-A-G. GRCh37 (hg19) VCF-style: chr12-33031215-A-G.
Other names: c.599T>C, p.Val200Ala (NM_004572.4); short protein forms V200A.
Identifiers: ClinVar variation 1171995 (VCV001171995.5), dbSNP rs1591828837, ClinGen allele CA384364125.

ClinVar aggregate classification (germline): Uncertain significance. Review status: criteria provided, multiple submitters, no conflicts (2 of 4 stars). 3 submissions from 3 submitters: Uncertain significance (3). Last evaluated 2025-10-08.

Conditions:
Arrhythmogenic right ventricular cardiomyopathy (ARVD). Also called: Cardiomyopathy, ARVC; Arrhythmogenic right ventricular dysplasia; Arrhythmogenic cardiomyopathy; Arrhythmogenic Right Ventricular Cardiomyopathy (ARVC). Identifiers: Orphanet 247, MedGen C0349788, MeSH D019571, MONDO:0016587. Disease mechanism: loss of function. Inheritance: Various modes of inheritance.
Cardiomyopathy (CMYO). Also called: Cardiomyopathies. Identifiers: Orphanet 167848, MedGen C0878544, MONDO:0004994, HP:0001638. Inheritance: Various modes of inheritance.
Arrhythmogenic right ventricular dysplasia 9 (ARVD9). Also called: Arrhythmogenic Right Ventricular Dysplasia/Cardiomyopathy 9; ARRHYTHMOGENIC RIGHT VENTRICULAR DYSPLASIA, FAMILIAL, 9. Identifiers: MedGen C1836906, MONDO:0012180, OMIM 609040.

Allele frequency attached by ClinVar (database versions not stated): TOPMed 0.00001.

Submissions (3):

Labcorp Genetics (formerly Invitae), Labcorp
Classification: Uncertain significance for Arrhythmogenic right ventricular dysplasia 9. Last evaluated: 2025-10-08. Review status: criteria provided, single submitter. Criteria: Invitae Variant Classification Sherloc (09022015). Collection method: clinical testing. Allele origin: germline.
Comment: This sequence change replaces valine, which is neutral and non-polar, with alanine, which is neutral and non-polar, at codon 200 of the PKP2 protein (p.Val200Ala). This variant is not present in population databases (gnomAD no frequency). This variant has not been reported in the literature in individuals affected with PKP2-related conditions. ClinVar contains an entry for this variant (Variation ID: 1171995). An algorithm developed to predict the effect of missense changes on protein structure and function outputs the following: PolyPhen-2: "Benign". The alanine amino acid residue is found in multiple mammalian species, which suggests that this missense change does not adversely affect protein function. In summary, the available evidence is currently insufficient to determine the role of this variant in disease. Therefore, it has been classified as a Variant of Uncertain Significance.

Color Diagnostics, LLC DBA Color Health
Classification: Uncertain significance for Cardiomyopathy. Last evaluated: 2024-03-06. Review status: criteria provided, single submitter. Criteria: ACMG Guidelines, 2015. Collection method: clinical testing. Allele origin: germline.
Comment: This missense variant replaces valine with alanine at codon 200 of the PKP2 protein. Computational prediction suggests that this variant may not impact protein structure and function (internally defined REVEL score threshold <= 0.5, PMID: 27666373). To our knowledge, functional studies have not been reported for this variant. This variant has not been reported in individuals affected with cardiovascular disorders in the literature. This variant has not been identified in the general population by the Genome Aggregation Database (gnomAD). The available evidence is insufficient to determine the role of this variant in disease conclusively. Therefore, this variant is classified as a Variant of Uncertain Significance.

All of Us Research Program, National Institutes of Health
Classification: Uncertain significance for Arrhythmogenic right ventricular cardiomyopathy. Last evaluated: 2024-01-11. Review status: criteria provided, single submitter. Criteria: ACMG Guidelines, 2015. Collection method: clinical testing. Allele origin: germline. Inheritance: Autosomal dominant inheritance. Observed: 1 variant allele, 1 heterozygote.
Comment: This missense variant replaces valine with alanine at codon 200 of the PKP2 protein. Computational prediction suggests that this variant may not impact protein structure and function (internally defined REVEL score threshold <= 0.5, PMID: 27666373). To our knowledge, functional studies have not been reported for this variant. This variant has not been reported in individuals affected with cardiovascular disorders in the literature. This variant has not been identified in the general population by the Genome Aggregation Database (gnomAD). The available evidence is insufficient to determine the role of this variant in disease conclusively. Therefore, this variant is classified as a Variant of Uncertain Significance.

This study involves interpretation of variants in research participants for the purpose of population health screening. Participant phenotype was not available at the time of variant classification. Additional details can be found in publication PMID: 35346344, PMCID: PMC8962531